The following is an entry in ClinVar:

ClinVar aggregate classification (germline): Benign (1 of 4 stars; one submission).

Allele frequency attached by ClinVar (database versions not stated): gnomAD 0.93834 and 0.93841; TOPMed 0.94590; 1000 Genomes Project 0.95867; 1000 Genomes Project 30x 0.95956.
gnomAD v4.1: 142,659 of 152,096 alleles (94%); highest among the groups gnomAD compares: East Asian, 100%; 66,951 homozygotes.

Submission:

GeneDx
Classification: Benign. Last evaluated: 2018-06-14. Review status: criteria provided, single submitter. Criteria: GeneDx Variant Classification (06012015). Collection method: clinical testing. Allele origin: germline. Affected: yes.
Comment: This variant is considered likely benign or benign based on one or more of the following criteria: it is a conservative change, it occurs at a poorly conserved position in the protein, it is predicted to be benign by multiple in silico algorithms, and/or has population frequency not consistent with disease.

NM_001854.4(COL11A1):c.4302+305T>C

Gene: COL11A1 (collagen type XI alpha 1 chain; minus strand). Cytogenetic location: 1p21.1.
Variant type: single nucleotide variant.
Coding change: c.4302+305T>C on transcript NM_001854.4 (MANE Select); 305 bases into the intron after coding-DNA position 4302, T replaced by C.
Molecular consequence: intron variant.
Genome position (GRCh38, 1-based): chr1:102,897,820, A>G on the plus strand (T>C on the coding strand, the complement: COL11A1 is on the minus strand). VCF-style: chr1-102897820-A-G. GRCh37 (hg19) VCF-style: chr1-103363376-A-G.
Other names: c.4185+305T>C (NM_001190709.2); c.4338+305T>C (NM_080629.3); c.3954+305T>C (NM_080630.4).
Identifiers: ClinVar variation 681205 (VCV000681205.1), dbSNP rs1676496, ClinGen allele CA27661998.